The following is an entry in ClinVar:

NM_014714.4(IFT140):c.685G>A (p.Ala229Thr)

Genes: IFT140 (intraflagellar transport 140; minus strand), LOC105371046 (uncharacterized LOC105371046; plus strand). Cytogenetic location: 16p13.3.
Variant type: single nucleotide variant.
Coding change: c.685G>A on transcript NM_014714.4 (MANE Select); coding-DNA position 685, G replaced by A.
Protein change: p.Ala229Thr; replaces alanine 229 with threonine.
Molecular consequence: missense variant.
Genome position (GRCh38, 1-based): chr16:1,589,730, C>T on the plus strand (G>A on the coding strand, the complement: IFT140 is on the minus strand). VCF-style: chr16-1589730-C-T. GRCh37 (hg19) VCF-style: chr16-1639731-C-T.
Other names: short protein forms A229T.
Identifiers: ClinVar variation 318207 (VCV000318207.11), dbSNP rs555382397, ClinGen allele CA7814606.

ClinVar aggregate classification (germline): Conflicting classifications of pathogenicity. Review status: criteria provided, conflicting classifications (1 of 4 stars). 4 submissions from 4 submitters: Uncertain significance (3); Likely benign (1). Last evaluated 2022-10-03.

Conditions:
Inborn genetic diseases. Identifiers: MedGen C0950123, MeSH D030342.
Retinitis pigmentosa 80 (RP80). Identifiers: MedGen C4540439, MONDO:0054708, OMIM 617781.
Saldino-Mainzer syndrome (SRTD9). Also called: Renal dysplasia, retinal pigmentary dystrophy, cerebellar ataxia and skeletal dysplasia; SHORT-RIB THORACIC DYSPLASIA 9 WITHOUT POLYDACTYLY; CONORENAL SYNDROME; short-rib thoracic dysplasia 9 with or without polydactyly. Identifiers: Orphanet 140969, MedGen C1849437, MONDO:0009964, OMIM 266920.

Allele frequency attached by ClinVar (database versions not stated): gnomAD 0.00001 and 0.00002; TOPMed 0.00004; 1000 Genomes Project 30x 0.00016; 1000 Genomes Project 0.00020.

Submissions (4):

Ambry Genetics
Classification: Likely benign for Inborn genetic diseases. Last evaluated: 2022-10-03. Review status: criteria provided, single submitter. Criteria: Ambry Variant Classification Scheme 2023. Collection method: clinical testing. Allele origin: germline.

Labcorp Genetics (formerly Invitae), Labcorp
Classification: Uncertain significance for Saldino-Mainzer syndrome. Last evaluated: 2022-06-15. Review status: criteria provided, single submitter. Criteria: Invitae Variant Classification Sherloc (09022015). Collection method: clinical testing. Allele origin: germline.
Comment: This sequence change replaces alanine, which is neutral and non-polar, with threonine, which is neutral and polar, at codon 229 of the IFT140 protein (p.Ala229Thr). This variant is present in population databases (rs555382397, gnomAD 0.008%). This variant has not been reported in the literature in individuals affected with IFT140-related conditions. ClinVar contains an entry for this variant (Variation ID: 318207). Algorithms developed to predict the effect of missense changes on protein structure and function output the following: SIFT: "Tolerated"; PolyPhen-2: "Benign"; Align-GVGD: "Class C0". The threonine amino acid residue is found in multiple mammalian species, which suggests that this missense change does not adversely affect protein function. In summary, the available evidence is currently insufficient to determine the role of this variant in disease. Therefore, it has been classified as a Variant of Uncertain Significance.

Fulgent Genetics
Classification: Uncertain significance for Saldino-Mainzer syndrome; Retinitis pigmentosa 80. Last evaluated: 2022-02-19. Review status: criteria provided, single submitter. Criteria: ACMG Guidelines, 2015. Collection method: clinical testing. Allele origin: unknown.

Illumina Laboratory Services, Illumina
Classification: Uncertain significance for Saldino-Mainzer syndrome. Last evaluated: 2018-01-13. Review status: criteria provided, single submitter. Criteria: ICSL Variant Classification Criteria 13 December 2019. Collection method: clinical testing. Allele origin: germline.